The following is an entry in ClinVar:

ClinVar aggregate classification (germline): Uncertain significance (1 of 4 stars; one submission).

Conditions:
Sulfite oxidase deficiency due to molybdenum cofactor deficiency type C. Also called: Molybdenum cofactor deficiency, complementation group C; Molybdenum cofactor deficiency C. Identifiers: Orphanet 308400, Orphanet 833, MedGen C1854990, MONDO:0014212, OMIM 615501.

Allele frequency attached by ClinVar (database versions not stated): gnomAD 0.00001; gnomAD exomes 0.00001 and 0.00004; TOPMed 0.00001; ExAC 0.00003.
gnomAD v4.1: 11 of 1,611,080 alleles (0.00068%); highest among the groups gnomAD compares: Admixed American, 0.017%; no homozygotes.

Submission:

Labcorp Genetics (formerly Invitae), Labcorp
Classification: Uncertain significance for Sulfite oxidase deficiency due to molybdenum cofactor deficiency type C. Last evaluated: 2024-12-24. Review status: criteria provided, single submitter. Criteria: Invitae Variant Classification Sherloc (09022015). Collection method: clinical testing. Allele origin: germline.
Comment: This sequence change replaces leucine, which is neutral and non-polar, with valine, which is neutral and non-polar, at codon 116 of the GPHN protein (p.Leu116Val). This variant is present in population databases (rs755780656, gnomAD 0.02%). This variant has not been reported in the literature in individuals affected with GPHN-related conditions. ClinVar contains an entry for this variant (Variation ID: 1421791). Invitae Evidence Modeling of protein sequence and biophysical properties (such as structural, functional, and spatial information, amino acid conservation, physicochemical variation, residue mobility, and thermodynamic stability) indicates that this missense variant is not expected to disrupt GPHN protein function with a negative predictive value of 80%. In summary, the available evidence is currently insufficient to determine the role of this variant in disease. Therefore, it has been classified as a Variant of Uncertain Significance.

NM_020806.5(GPHN):c.346C>G (p.Leu116Val)

Gene: GPHN (gephyrin; plus strand). Cytogenetic location: 14q23.3.
Variant type: single nucleotide variant.
Coding change: c.346C>G on transcript NM_020806.5 (MANE Select); coding-DNA position 346, C replaced by G.
Protein change: p.Leu116Val; replaces leucine 116 with valine.
Molecular consequence: missense variant.
Genome position (GRCh38, 1-based): chr14:66,879,990, C>G. VCF-style: chr14-66879990-C-G. GRCh37 (hg19) VCF-style: chr14-67346708-C-G.
Other names: c.346C>G, p.Leu116Val (NM_001024218.2, NM_001377515.1, NM_001377516.1 and 2 more transcripts); c.385C>G, p.Leu129Val (NM_001377514.1, NM_001377519.1); short protein forms L129V, L116V.
Identifiers: ClinVar variation 1421791 (VCV001421791.7), dbSNP rs755780656, ClinGen allele CA7233731.